The following is an entry in ClinVar:

ClinVar aggregate classification (germline): Benign/Likely benign. Review status: criteria provided, multiple submitters, no conflicts (2 of 4 stars). 9 submissions from 9 submitters: Benign (8); Likely benign (1). Last evaluated 2026-02-04.

Conditions:
Pyogenic arthritis-pyoderma gangrenosum-acne syndrome (PAPA). Also called: FAMILIAL RECURRENT ARTHRITIS; PAPA SYNDROME. Identifiers: Orphanet 69126, MedGen C1858361, MONDO:0011462, OMIM 604416.

Allele frequency attached by ClinVar (database versions not stated): gnomAD exomes 0.02085 and 0.02799; ESP Exome Variant Server 0.03735; gnomAD 0.04096 and 0.04154; TOPMed 0.04211; ExAC 0.04955; 1000 Genomes Project 0.05751; 1000 Genomes Project 30x 0.05824.
gnomAD v4.1: 36,841 of 1,602,812 alleles (2.3%); highest among the groups gnomAD compares: African/African-American, 9.4%; 817 homozygotes.

Submissions (9):

Labcorp Genetics (formerly Invitae), Labcorp
Classification: Benign for Pyogenic arthritis-pyoderma gangrenosum-acne syndrome. Last evaluated: 2026-02-04. Review status: criteria provided, single submitter. Criteria: Invitae Variant Classification Sherloc (09022015). Collection method: clinical testing. Allele origin: germline.

Women's Health and Genetics/Laboratory Corporation of America, LabCorp
Classification: Benign. Last evaluated: 2026-01-21. Review status: criteria provided, single submitter. Criteria: LabCorp Variant Classification Summary - May 2015. Collection method: clinical testing. Allele origin: germline.

ARUP Laboratories, Molecular Genetics and Genomics, ARUP Laboratories
Classification: Benign. Last evaluated: 2025-07-29. Review status: criteria provided, single submitter. Criteria: ARUP Molecular Germline Variant Investigation Process 2024. Collection method: clinical testing. Allele origin: germline.

Blueprint Genetics
Classification: Likely benign. Last evaluated: 2024-11-27. Review status: criteria provided, single submitter. Criteria: ACMG Guidelines, 2015. Collection method: clinical testing. Allele origin: germline.

Mayo Clinic Laboratories, Mayo Clinic
Classification: Benign. Last evaluated: 2018-08-30. Review status: criteria provided, single submitter. Criteria: ACMG Guidelines, 2015. Collection method: clinical testing. Allele origin: germline. Observed: 31 variant alleles.

Illumina Laboratory Services, Illumina
Classification: Benign for Pyogenic arthritis-pyoderma gangrenosum-acne syndrome. Last evaluated: 2018-01-13. Review status: criteria provided, single submitter. Criteria: ICSL Variant Classification Criteria 13 December 2019. Collection method: clinical testing. Allele origin: germline.
Comment: This variant was observed in the ICSL laboratory as part of a predisposition screen in an ostensibly healthy population. It had not been previously curated by ICSL or reported in the Human Gene Mutation Database (HGMD: prior to June 1st, 2018), and was therefore a candidate for classification through an automated scoring system. Utilizing variant allele frequency, disease prevalence and penetrance estimates, and inheritance mode, an automated score was calculated to assess if this variant is too frequent to cause the disease. Based on the score and internal cut-off values, a variant classified as benign is not then subjected to further curation. The score for this variant resulted in a classification of benign for this disease.

GeneDx
Classification: Benign. Last evaluated: 2015-03-03. Review status: criteria provided, single submitter. Criteria: GeneDx Variant Classification Process June 2021. Collection method: clinical testing. Allele origin: germline. Affected: yes.

Breakthrough Genomics
Classification: Benign. Review status: criteria provided, single submitter. Criteria: ACMG Guidelines, 2015. Collection method: not provided. Allele origin: germline. Inheritance: Autosomal dominant inheritance. Affected: yes.

PreventionGenetics, part of Exact Sciences
Classification: Benign. Review status: criteria provided, single submitter. Criteria: ACMG Guidelines, 2015. Collection method: clinical testing. Allele origin: germline.

NM_003978.5(PSTPIP1):c.915C>T (p.Cys305=)

Gene: PSTPIP1 (proline-serine-threonine phosphatase interacting protein 1; plus strand). Cytogenetic location: 15q24.3.
Variant type: single nucleotide variant.
Coding change: c.915C>T on transcript NM_003978.5 (MANE Select); coding-DNA position 915, C replaced by T.
Protein change: p.Cys305=; no amino-acid change (cysteine 305 retained).
Molecular consequence: synonymous variant. On other transcripts: intron variant (1).
Genome position (GRCh38, 1-based): chr15:77,032,938, C>T. VCF-style: chr15-77032938-C-T. GRCh37 (hg19) VCF-style: chr15-77325279-C-T.
Other names: p.Cys305=; c.888C>T, p.Cys296= (NM_001321136.2); c.1110C>T, p.Cys370= (NM_001321137.1); c.872+510C>T (NM_001321135.2); c.915C>T (LRG_172t1).
Identifiers: ClinVar variation 259212 (VCV000259212.34), dbSNP rs11858480, ClinGen allele CA7676064.
Genomic context (GRCh38, chr15:77,032,938, plus strand): 5'-GAACTATTACGATCGGGAGGTCACCCCGCTGACCAGCAGCCCTGGCATACAGCCGTCCTG[C>T]GGCATGATAAAGAGGTGAGGCCCCGACAGACGGAGGGAGGGCCTAAGGCTGGGCCAGGAA-3'
Protein context (NP_003969.2, residues 295-315): LTSSPGIQPS[Cys305=]GMIKRFSGLL